The following is an entry in ClinVar:

NM_001103.4(ACTN2):c.764C>T (p.Ala255Val)

Gene: ACTN2 (actinin alpha 2; plus strand). Cytogenetic location: 1q43.
Variant type: single nucleotide variant.
Coding change: c.764C>T on transcript NM_001103.4 (MANE Select); coding-DNA position 764, C replaced by T.
Protein change: p.Ala255Val; replaces alanine 255 with valine.
Molecular consequence: missense variant. On other transcripts: non-coding transcript variant (1), intron variant (1).
Genome position (GRCh38, 1-based): chr1:236,735,701, C>T. VCF-style: chr1-236735701-C-T. GRCh37 (hg19) VCF-style: chr1-236899001-C-T.
Other names: c.29C>T, p.Ala10Val (NM_001278344.2); c.-97C>T (NM_001412150.1); c.783+1183C>T (NM_001278343.2); short protein forms A10V, A255V.
Identifiers: ClinVar variation 2951495 (VCV002951495.3), dbSNP rs2527587258, ClinGen allele CA345377671.

ClinVar aggregate classification (germline): Uncertain significance (1 of 4 stars; one submission).

Conditions:
Primary familial hypertrophic cardiomyopathy (HCM). Identifiers: Orphanet 99739, MedGen C0949658, MeSH D024741, MONDO:0024573. Inheritance: Various modes of inheritance.
Dilated cardiomyopathy 1AA (CMD1AA). Also called: CARDIOMYOPATHY, DILATED, 1AA, WITH OR WITHOUT LEFT VENTRICULAR NONCOMPACTION; CARDIOMYOPATHY, FAMILIAL HYPERTROPHIC, 23, WITH OR WITHOUT LEFT VENTRICULAR NONCOMPACTION; Cardiomyopathy, dilated, 1AA, with or without LVNC. Identifiers: Orphanet 154, MedGen C2677338, MONDO:0012808, OMIM 612158.

Submission:

Labcorp Genetics (formerly Invitae), Labcorp
Classification: Uncertain significance for Primary familial hypertrophic cardiomyopathy; Dilated cardiomyopathy 1AA. Last evaluated: 2023-09-01. Review status: criteria provided, single submitter. Criteria: Invitae Variant Classification Sherloc (09022015). Collection method: clinical testing. Allele origin: germline.
Comment: This sequence change replaces alanine, which is neutral and non-polar, with valine, which is neutral and non-polar, at codon 255 of the ACTN2 protein (p.Ala255Val). This variant is not present in population databases (gnomAD no frequency). This variant has not been reported in the literature in individuals affected with ACTN2-related conditions. Advanced modeling of protein sequence and biophysical properties (such as structural, functional, and spatial information, amino acid conservation, physicochemical variation, residue mobility, and thermodynamic stability) performed at Invitae indicates that this missense variant is not expected to disrupt ACTN2 protein function. In summary, the available evidence is currently insufficient to determine the role of this variant in disease. Therefore, it has been classified as a Variant of Uncertain Significance.